The following is an entry in ClinVar:

ClinVar aggregate classification (germline): Uncertain significance (1 of 4 stars; one submission).

gnomAD v4.1: 2 of 1,448,542 alleles (0.00014%); highest among the groups gnomAD compares: East Asian, 0.0025%; no homozygotes.

Submission:

Labcorp Genetics (formerly Invitae), Labcorp
Classification: Uncertain significance. Last evaluated: 2025-12-02. Review status: criteria provided, single submitter. Criteria: Invitae Variant Classification Sherloc (09022015). Collection method: clinical testing. Allele origin: germline.
Comment: This sequence change falls in intron 24 of the PROM1 gene. It does not directly change the encoded amino acid sequence of the PROM1 protein. It affects a nucleotide within the consensus splice site. The frequency data for this variant in the population databases is considered unreliable, as metrics indicate poor data quality at this position in the gnomAD database. This variant has not been reported in the literature in individuals affected with PROM1-related conditions. Variants that disrupt the consensus splice site are a relatively common cause of aberrant splicing (PMID: 17576681, 9536098). Algorithms developed to predict the effect of sequence changes on RNA splicing suggest that this variant is not likely to affect RNA splicing. In summary, the available evidence is currently insufficient to determine the role of this variant in disease. Therefore, it has been classified as a Variant of Uncertain Significance.

Literature cited by the submitters: PubMed 17576681; PubMed 9536098.

NM_006017.3(PROM1):c.2513+6C>T

Gene: PROM1 (prominin 1; minus strand). Cytogenetic location: 4p15.32.
Variant type: single nucleotide variant.
Coding change: c.2513+6C>T on transcript NM_006017.3 (MANE Select); 6 bases into the intron after coding-DNA position 2513, C replaced by T.
Molecular consequence: intron variant.
Genome position (GRCh38, 1-based): chr4:15,979,875, G>A on the plus strand (C>T on the coding strand, the complement: PROM1 is on the minus strand). VCF-style: chr4-15979875-G-A. GRCh37 (hg19) VCF-style: chr4-15981498-G-A.
Other names: c.2147+6C>T (NM_001441179.1); c.2402+6C>T (NM_001441174.1); c.2381+6C>T (NM_001441177.1); c.2321+6C>T (NM_001441178.1); c.2393+6C>T (NM_001441176.1, NM_001441175.1); c.2483+6C>T (NM_001441173.1); c.2486+6C>T (NM_001145848.2, NM_001145847.2, NM_001371406.1 and 1 more transcripts); c.2462+547C>T (NM_001145852.2, NM_001371408.1, NM_001371407.1); and 2 more.
Identifiers: ClinVar variation 4697831 (VCV004697831.1).